The following is an entry in ClinVar:

ClinVar aggregate classification (germline): Uncertain significance (1 of 4 stars; one submission).

Conditions:
Bloom syndrome (BLM). Also called: Bloom-Torre-Machacek syndrome. Identifiers: Orphanet 125, MedGen C0005859, MONDO:0008876, OMIM 210900.

Submission:

Labcorp Genetics (formerly Invitae), Labcorp
Classification: Uncertain significance for Bloom syndrome. Last evaluated: 2023-03-14. Review status: criteria provided, single submitter. Criteria: Invitae Variant Classification Sherloc (09022015). Collection method: clinical testing. Allele origin: germline.
Comment: Advanced modeling of protein sequence and biophysical properties (such as structural, functional, and spatial information, amino acid conservation, physicochemical variation, residue mobility, and thermodynamic stability) performed at Invitae indicates that this missense variant is not expected to disrupt BLM protein function. In summary, the available evidence is currently insufficient to determine the role of this variant in disease. Therefore, it has been classified as a Variant of Uncertain Significance. This variant has not been reported in the literature in individuals affected with BLM-related conditions. This variant is not present in population databases (gnomAD no frequency). This sequence change replaces threonine, which is neutral and polar, with serine, which is neutral and polar, at codon 1350 of the BLM protein (p.Thr1350Ser).

NM_000057.4(BLM):c.4049C>G (p.Thr1350Ser)

Gene: BLM (BLM RecQ like helicase; plus strand). Cytogenetic location: 15q26.1.
Variant type: single nucleotide variant.
Coding change: c.4049C>G on transcript NM_000057.4 (MANE Select); coding-DNA position 4049, C replaced by G.
Protein change: p.Thr1350Ser; replaces threonine 1350 with serine.
Molecular consequence: missense variant.
Genome position (GRCh38, 1-based): chr15:90,811,379, C>G. VCF-style: chr15-90811379-C-G. GRCh37 (hg19) VCF-style: chr15-91354609-C-G.
Other names: c.4049C>G, p.Thr1350Ser (NM_001287246.2); c.3656C>G, p.Thr1219Ser (NM_001287247.2); c.2924C>G, p.Thr975Ser (NM_001287248.2); short protein forms T1219S, T1350S, T975S.
Identifiers: ClinVar variation 2845526 (VCV002845526.3), dbSNP rs1052029776, ClinGen allele CA393851483.